The following is an entry in ClinVar:

NM_001172509.2(SATB2):c.369G>A (p.Trp123Ter)

Gene: SATB2 (SATB homeobox 2; minus strand). Cytogenetic location: 2q33.1.
Variant type: single nucleotide variant.
Coding change: c.369G>A on transcript NM_001172509.2 (MANE Select); coding-DNA position 369, G replaced by A.
Protein change: p.Trp123Ter; replaces tryptophan 123 with a stop codon.
Molecular consequence: nonsense.
Genome position (GRCh38, 1-based): chr2:199,381,798, C>T on the plus strand (G>A on the coding strand, the complement: SATB2 is on the minus strand). VCF-style: chr2-199381798-C-T. GRCh37 (hg19) VCF-style: chr2-200246521-C-T.
Other names: c.369G>A, p.Trp123Ter (NM_001172517.1, NM_015265.4); short protein forms W123*.
Identifiers: ClinVar variation 3778722 (VCV003778722.1).

ClinVar aggregate classification (germline): Pathogenic (1 of 4 stars; one submission).

Conditions:
Chromosome 2q32-q33 deletion syndrome (GLASS). Also called: 2q33.1 deletion syndrome; Glass syndrome. Identifiers: Orphanet 251019, MedGen C2676739, MONDO:0012864, OMIM 612313.

Submission:

Institute of Human Genetics, University of Leipzig Medical Center
Classification: Pathogenic for Chromosome 2q32-q33 deletion syndrome. Last evaluated: 2025-03-04. Review status: criteria provided, single submitter. Criteria: ACMG Guidelines, 2015. Collection method: clinical testing. Allele origin: unknown. Inheritance: Autosomal dominant inheritance. Affected: yes.
Comment: Criteria applied: PVS1,PM2